The following is an entry in ClinVar:

NM_005546.4(ITK):c.1601G>A (p.Arg534His)

Gene: ITK (IL2 inducible T cell kinase; plus strand). Cytogenetic location: 5q33.3.
Variant type: single nucleotide variant.
Coding change: c.1601G>A on transcript NM_005546.4 (MANE Select); coding-DNA position 1601, G replaced by A.
Protein change: p.Arg534His; replaces arginine 534 with histidine.
Molecular consequence: missense variant.
Genome position (GRCh38, 1-based): chr5:157,245,967, G>A. VCF-style: chr5-157245967-G-A. GRCh37 (hg19) VCF-style: chr5-156672977-G-A.
Other names: short protein forms R534H.
Identifiers: ClinVar variation 649542 (VCV000649542.9), dbSNP rs745561238, ClinGen allele CA361962584.

ClinVar aggregate classification (germline): Uncertain significance. Review status: criteria provided, multiple submitters, no conflicts (2 of 4 stars). 2 submissions from 2 submitters: Uncertain significance (2). Last evaluated 2022-03-12.

Conditions:
Lymphoproliferative syndrome 1 (LPFS1). Identifiers: Orphanet 238505, Orphanet 538963, MedGen C3552634, MONDO:0013081, OMIM 613011.

Allele frequency attached by ClinVar (database versions not stated): gnomAD 0.00001; 1000 Genomes Project 30x 0.00016.
gnomAD v4.1: 14 of 1,613,788 alleles (0.00087%); highest among the groups gnomAD compares: East Asian, 0.02%; no homozygotes.

Submissions (2):

Labcorp Genetics (formerly Invitae), Labcorp
Classification: Uncertain significance for Lymphoproliferative syndrome 1. Last evaluated: 2022-03-12. Review status: criteria provided, single submitter. Criteria: Invitae Variant Classification Sherloc (09022015). Collection method: clinical testing. Allele origin: germline.
Comment: This sequence change replaces arginine, which is basic and polar, with histidine, which is basic and polar, at codon 534 of the ITK protein (p.Arg534His). This variant is present in population databases (no rsID available, gnomAD 0.004%). This variant has not been reported in the literature in individuals affected with ITK-related conditions. ClinVar contains an entry for this variant (Variation ID: 649542). Advanced modeling of protein sequence and biophysical properties (such as structural, functional, and spatial information, amino acid conservation, physicochemical variation, residue mobility, and thermodynamic stability) performed at Invitae indicates that this missense variant is not expected to disrupt ITK protein function. In summary, the available evidence is currently insufficient to determine the role of this variant in disease. Therefore, it has been classified as a Variant of Uncertain Significance.

Genetic Services Laboratory, University of Chicago
Classification: Uncertain significance. Last evaluated: 2021-04-25. Review status: criteria provided, single submitter. Criteria: ACMG Guidelines, 2015. Collection method: clinical testing. Allele origin: germline. Affected: no.
Comment: DNA sequence analysis of the ITK gene demonstrated a sequence change, c.1601G>A, in exon 15 that results in an amino acid change, p.Arg534His. This sequence change does not appear to have been previously described in patients with ITK-related disorders. This sequence change has been described in the gnomAD database with a low frequency of 0.006% in the Latino/admixed American subpopulation (dbSNP rs745561238). The p.Arg534His change affects a moderately conserved amino acid residue located in a domain of the ITK protein that is known to be functional. In-silico pathogenicity prediction tools (SIFT, PolyPhen2, Align GVGD, REVEL) provide contradictory results for the p.Arg534His substitution. Due to these contrasting evidences and the lack of functional studies, the clinical significance of the p.Arg534His change remains unknown at this time.